The following is an entry in ClinVar:

ClinVar aggregate classification (germline): Uncertain significance. Review status: criteria provided, multiple submitters, no conflicts (2 of 4 stars). 2 submissions from 2 submitters: Uncertain significance (2). Last evaluated 2023-12-01.

Conditions:
Neonatal-onset encephalopathy with rigidity and seizures. Also called: Lethal neonatal spasticity-epileptic encephalopathy syndrome. Identifiers: Orphanet 435845, MedGen C3281029, MONDO:0013784, OMIM 614498.

Allele frequency attached by ClinVar (database versions not stated): gnomAD exomes 0.00001; TOPMed 0.00002; gnomAD 0.00004.
gnomAD v4.1: 18 of 1,580,386 alleles (0.0011%); highest among the groups gnomAD compares: African/African-American, 0.0081%; no homozygotes.

Submissions (2):

GeneDx
Classification: Uncertain significance. Last evaluated: 2023-12-01. Review status: criteria provided, single submitter. Criteria: GeneDx Variant Classification Process June 2021. Collection method: clinical testing. Allele origin: germline. Affected: yes.
Comment: Not observed at significant frequency in large population cohorts (gnomAD); In silico analysis supports that this missense variant does not alter protein structure/function; Has not been previously published as pathogenic or benign to our knowledge

Labcorp Genetics (formerly Invitae), Labcorp
Classification: Uncertain significance for Neonatal-onset encephalopathy with rigidity and seizures. Last evaluated: 2023-11-27. Review status: criteria provided, single submitter. Criteria: Invitae Variant Classification Sherloc (09022015). Collection method: clinical testing. Allele origin: germline.
Comment: This sequence change replaces arginine, which is basic and polar, with histidine, which is basic and polar, at codon 227 of the BRAT1 protein (p.Arg227His). The frequency data for this variant in the population databases is considered unreliable, as metrics indicate poor data quality at this position in the gnomAD database. This variant has not been reported in the literature in individuals affected with BRAT1-related conditions. ClinVar contains an entry for this variant (Variation ID: 952841). Advanced modeling of protein sequence and biophysical properties (such as structural, functional, and spatial information, amino acid conservation, physicochemical variation, residue mobility, and thermodynamic stability) performed at Invitae indicates that this missense variant is not expected to disrupt BRAT1 protein function with a negative predictive value of 80%. In summary, the available evidence is currently insufficient to determine the role of this variant in disease. Therefore, it has been classified as a Variant of Uncertain Significance.

NM_152743.4(BRAT1):c.680G>A (p.Arg227His)

Gene: BRAT1 (BRCA1 associated ATM activator 1; minus strand). Cytogenetic location: 7p22.3.
Variant type: single nucleotide variant.
Coding change: c.680G>A on transcript NM_152743.4 (MANE Select); coding-DNA position 680, G replaced by A.
Protein change: p.Arg227His; replaces arginine 227 with histidine.
Molecular consequence: missense variant. On other transcripts: non-coding transcript variant (1).
Genome position (GRCh38, 1-based): chr7:2,543,713, C>T on the plus strand (G>A on the coding strand, the complement: BRAT1 is on the minus strand). VCF-style: chr7-2543713-C-T. GRCh37 (hg19) VCF-style: chr7-2583347-C-T.
Other names: c.680G>A, p.Arg227His (NM_001350626.2); c.155G>A, p.Arg52His (NM_001350627.2); short protein forms R52H, R227H.
Identifiers: ClinVar variation 952841 (VCV000952841.11), dbSNP rs911372208, ClinGen allele CA152671559.